The following is an entry in ClinVar:

NM_014336.5(AIPL1):c.373A>G (p.Asn125Asp)

Gene: AIPL1 (AIP like 1 HSP90 co-chaperone; minus strand). Cytogenetic location: 17p13.2.
Variant type: single nucleotide variant.
Coding change: c.373A>G on transcript NM_014336.5 (MANE Select); coding-DNA position 373, A replaced by G.
Protein change: p.Asn125Asp; replaces asparagine 125 with aspartic acid.
Molecular consequence: missense variant. On other transcripts: intron variant (1).
Genome position (GRCh38, 1-based): chr17:6,428,410, T>C on the plus strand (A>G on the coding strand, the complement: AIPL1 is on the minus strand). VCF-style: chr17-6428410-T-C. GRCh37 (hg19) VCF-style: chr17-6331730-T-C.
Other names: c.193A>G, p.Asn65Asp (NM_001033055.3); c.337A>G, p.Asn113Asp (NM_001285399.3); c.307A>G, p.Asn103Asp (NM_001285400.3); c.373A>G, p.Asn125Asp (NM_001285401.3, NM_001285403.4); c.256A>G, p.Asn86Asp (NM_001285402.2); c.277-1353A>G (NM_001033054.3); c.373A>G (NM_014336.3, NM_014336.4); short protein forms N125D, N103D, N113D, N65D, N86D.
Identifiers: ClinVar variation 196463 (VCV000196463.8), dbSNP rs367592624, ClinGen allele CA243420.

ClinVar aggregate classification (germline): Uncertain significance. Review status: criteria provided, multiple submitters, no conflicts (2 of 4 stars). 4 submissions from 4 submitters: Uncertain significance (4). Last evaluated 2025-08-13.

Conditions:
AIPL1-related disorder. Also called: AIPL1-related condition; AIPL1-related disorders. Identifiers: MedGen CN239169.
Inborn genetic diseases. Identifiers: MedGen C0950123, MeSH D030342.

Allele frequency attached by ClinVar (database versions not stated): ExAC 0.00002; gnomAD 0.00002; TOPMed 0.00002; gnomAD exomes 0.00004 and 0.00005; ESP Exome Variant Server 0.00008.

Submissions (4):

Ambry Genetics
Classification: Uncertain significance for Inborn genetic diseases. Last evaluated: 2025-08-13. Review status: criteria provided, single submitter. Criteria: Ambry Variant Classification Scheme 2023. Collection method: clinical testing. Allele origin: germline.

PreventionGenetics, part of Exact Sciences
Classification: Uncertain significance for AIPL1-related condition. Last evaluated: 2025-01-31. Review status: criteria provided, single submitter. Criteria: ACMG Guidelines, 2015. Collection method: clinical testing. Allele origin: germline.
Comment: The AIPL1 c.373A>G variant is predicted to result in the amino acid substitution p.Asn125Asp. To our knowledge, this variant has not been reported in the literature. This variant is reported in 0.023% of alleles in individuals of Latino descent in gnomAD. At this time, the clinical significance of this variant is uncertain due to the absence of conclusive functional and genetic evidence.

Blueprint Genetics
Classification: Uncertain significance. Last evaluated: 2021-12-08. Review status: criteria provided, single submitter. Criteria: ACMG Guidelines, 2015. Collection method: clinical testing. Allele origin: germline.

Eurofins Ntd Llc (ga)
Classification: Uncertain significance. Last evaluated: 2015-03-02. Review status: criteria provided, single submitter. Criteria: EGL Classification Definitions 2015. Collection method: clinical testing. Allele origin: germline. Observed: 1 variant allele, 1 heterozygote.